The following is an entry in ClinVar:

NM_006904.7(PRKDC):c.10855G>A (p.Asp3619Asn)

Gene: PRKDC (protein kinase, DNA-activated, catalytic subunit; minus strand). Cytogenetic location: 8q11.21.
Variant type: single nucleotide variant.
Coding change: c.10855G>A on transcript NM_006904.7 (MANE Select); coding-DNA position 10855, G replaced by A.
Protein change: p.Asp3619Asn; replaces aspartic acid 3619 with asparagine.
Molecular consequence: missense variant.
Genome position (GRCh38, 1-based): chr8:47,788,953, C>T on the plus strand (G>A on the coding strand, the complement: PRKDC is on the minus strand). VCF-style: chr8-47788953-C-T. GRCh37 (hg19) VCF-style: chr8-48701514-C-T.
Other names: c.10855G>A, p.Asp3619Asn (NM_001081640.2); short protein forms D3619N.
Identifiers: ClinVar variation 1383711 (VCV001383711.6), dbSNP rs2086838657, ClinGen allele CA371132088.

ClinVar aggregate classification (germline): Uncertain significance (1 of 4 stars; one submission).

Conditions:
Severe combined immunodeficiency due to DNA-PKcs deficiency. Also called: Immunodeficiency 26 with or without neurologic abnormalities; IMMUNODEFICIENCY 26 WITH NEUROLOGIC ABNORMALITIES. Identifiers: Orphanet 317425, MedGen C4014833, MONDO:0014423, OMIM 615966.

Allele frequency attached by ClinVar (database versions not stated): TOPMed below 0.00001; gnomAD 0.00001; gnomAD exomes 0.00001.
gnomAD v4.1: 4 of 1,611,846 alleles (0.00025%); highest among the groups gnomAD compares: East Asian, 0.0067%; no homozygotes.

Submission:

Labcorp Genetics (formerly Invitae), Labcorp
Classification: Uncertain significance for Severe combined immunodeficiency due to DNA-PKcs deficiency. Last evaluated: 2021-03-31. Review status: criteria provided, single submitter. Criteria: Invitae Variant Classification Sherloc (09022015). Collection method: clinical testing. Allele origin: germline.
Comment: This sequence change replaces aspartic acid with asparagine at codon 3619 of the PRKDC protein (p.Asp3619Asn). The aspartic acid residue is moderately conserved and there is a small physicochemical difference between aspartic acid and asparagine. This variant is not present in population databases (ExAC no frequency). This variant has not been reported in the literature in individuals with PRKDC-related conditions. Experimental studies and prediction algorithms are not available or were not evaluated, and the functional significance of this variant is currently unknown. In summary, the available evidence is currently insufficient to determine the role of this variant in disease. Therefore, it has been classified as a Variant of Uncertain Significance.